The following is an entry in ClinVar:

NM_002829.4(PTPN3):c.534C>T (p.Pro178=)

Gene: PTPN3 (protein tyrosine phosphatase non-receptor type 3; minus strand). Cytogenetic location: 9q31.3.
Variant type: single nucleotide variant.
Coding change: c.534C>T on transcript NM_002829.4 (MANE Select); coding-DNA position 534, C replaced by T.
Protein change: p.Pro178=; no amino-acid change (proline 178 retained).
Molecular consequence: synonymous variant.
Genome position (GRCh38, 1-based): chr9:109,438,167, G>A on the plus strand (C>T on the coding strand, the complement: PTPN3 is on the minus strand). VCF-style: chr9-109438167-G-A. GRCh37 (hg19) VCF-style: chr9-112200447-G-A.
Other names: c.534C>T, p.Pro178= (NM_001145368.2); c.141C>T, p.Pro47= (NM_001145369.2, NM_001145370.2).
Identifiers: ClinVar variation 2659409 (VCV002659409.24), dbSNP rs770220726, ClinGen allele CA5179285.

ClinVar aggregate classification (germline): Likely benign (1 of 4 stars; one submission).

Allele frequency attached by ClinVar (database versions not stated): gnomAD 0.00001; gnomAD exomes 0.00001; TOPMed 0.00001; ExAC 0.00002.
gnomAD v4.1: 14 of 1,613,628 alleles (0.00087%); highest among the groups gnomAD compares: Middle Eastern, 0.016%; no homozygotes.

Submission:

CeGaT Center for Human Genetics Tuebingen
Classification: Likely benign. Last evaluated: 2023-04-01. Review status: criteria provided, single submitter. Criteria: CeGaT Center For Human Genetics Tuebingen Variant Classification Criteria Version 2. Collection method: clinical testing. Allele origin: germline. Affected: yes. Observed: 1 variant allele.
Comment: PTPN3: BP4, BP7